The following is an entry in ClinVar:

NM_002184.4(IL6ST):c.2422A>G (p.Ile808Val)

Gene: IL6ST (interleukin 6 cytokine family signal transducer; minus strand). Cytogenetic location: 5q11.2.
Variant type: single nucleotide variant.
Coding change: c.2422A>G on transcript NM_002184.4 (MANE Select); coding-DNA position 2422, A replaced by G.
Protein change: p.Ile808Val; replaces isoleucine 808 with valine.
Molecular consequence: missense variant. On other transcripts: 3 prime UTR variant (1), non-coding transcript variant (2).
Genome position (GRCh38, 1-based): chr5:55,941,417, T>C on the plus strand (A>G on the coding strand, the complement: IL6ST is on the minus strand). VCF-style: chr5-55941417-T-C. GRCh37 (hg19) VCF-style: chr5-55237245-T-C.
Other names: c.2239A>G, p.Ile747Val (NM_001190981.2); c.2320A>G, p.Ile774Val (NM_001364275.2); c.2212A>G, p.Ile738Val (NM_001364276.2); c.1555A>G, p.Ile519Val (NM_001364277.2); c.1519A>G, p.Ile507Val (NM_001364278.2); c.1426A>G, p.Ile476Val (NM_001364279.2); c.*1349A>G (NM_175767.3); short protein forms I774V, I808V, I476V, I507V, I519V, I747V, I738V.
Identifiers: ClinVar variation 4705702 (VCV004705702.1).

ClinVar aggregate classification (germline): Uncertain significance (1 of 4 stars; one submission).

gnomAD v4.1: 2 of 1,614,058 alleles (0.00012%); highest among the groups gnomAD compares: Non-Finnish European, 0.00017%; no homozygotes.

Submission:

Labcorp Genetics (formerly Invitae), Labcorp
Classification: Uncertain significance. Last evaluated: 2025-11-17. Review status: criteria provided, single submitter. Criteria: Invitae Variant Classification Sherloc (09022015). Collection method: clinical testing. Allele origin: germline.
Comment: This sequence change replaces isoleucine, which is neutral and non-polar, with valine, which is neutral and non-polar, at codon 808 of the IL6ST protein (p.Ile808Val). This variant is not present in population databases (gnomAD no frequency). This variant has not been reported in the literature in individuals affected with IL6ST-related conditions. An algorithm developed to predict the effect of missense changes on protein structure and function outputs the following: PolyPhen-2: "Benign". The valine amino acid residue is found in multiple mammalian species, which suggests that this missense change does not adversely affect protein function. In summary, the available evidence is currently insufficient to determine the role of this variant in disease. Therefore, it has been classified as a Variant of Uncertain Significance.